The following is an entry in ClinVar:

ClinVar aggregate classification (germline): Uncertain significance. Review status: criteria provided, multiple submitters, no conflicts (2 of 4 stars). 2 submissions from 2 submitters: Uncertain significance (2). Last evaluated 2026-07-16.

Conditions:
Cystic fibrosis (CF). Also called: MUCOVISCIDOSIS. Identifiers: Orphanet 586, MedGen C0010674, MONDO:0009061, OMIM 219700. Disease mechanism: loss of function.

Submissions (2):

Ambry Genetics
Classification: Uncertain significance for Cystic fibrosis. Last evaluated: 2026-07-16. Review status: criteria provided, single submitter. Criteria: Ambry Variant Classification Scheme 2023. Collection method: clinical testing. Allele origin: germline.
Comment: The p.M152I variant (also known as c.456G>C), located in coding exon 4 of the CFTR gene, results from a G to C substitution at nucleotide position 456. The methionine at codon 152 is replaced by isoleucine, an amino acid with highly similar properties. This amino acid position is not well conserved in available vertebrate species. In addition, the in silico prediction for this alteration is inconclusive. Based on the available evidence, the clinical significance of this variant remains unclear.

Women's Health and Genetics/Laboratory Corporation of America, LabCorp
Classification: Uncertain significance. Last evaluated: 2024-03-19. Review status: criteria provided, single submitter. Criteria: LabCorp Variant Classification Summary - May 2015. Collection method: clinical testing. Allele origin: germline.
Comment: Variant summary: CFTR c.456G>C (p.Met152Ile) results in a conservative amino acid change located in the ABC transporter type 1, transmembrane domain (IPR011527) of the encoded protein sequence. Four of five in-silico tools predict a benign effect of the variant on protein function. The variant allele was found at a frequency of 4e-06 in 250248 control chromosomes (gnomAD). The available data on variant occurrences in the general population are insufficient to allow any conclusion about variant significance. To our knowledge, no occurrence of c.456G>C in individuals affected with Cystic Fibrosis and no experimental evidence demonstrating its impact on protein function have been reported. ClinVar contains an entry for this variant (Variation ID: 637971). Based on the evidence outlined above, the variant was classified as uncertain significance.

NM_000492.4(CFTR):c.456G>C (p.Met152Ile)

Gene: CFTR (CF transmembrane conductance regulator; plus strand). Cytogenetic location: 7q31.2.
Variant type: single nucleotide variant.
Coding change: c.456G>C on transcript NM_000492.4 (MANE Select); coding-DNA position 456, G replaced by C.
Protein change: p.Met152Ile; replaces methionine 152 with isoleucine.
Molecular consequence: missense variant.
Genome position (GRCh38, 1-based): chr7:117,531,081, G>C. VCF-style: chr7-117531081-G-C. GRCh37 (hg19) VCF-style: chr7-117171135-G-C.
Other names: short protein forms M152I.
Identifiers: ClinVar variation 3233875 (VCV003233875.3), dbSNP rs1403470018, ClinGen allele CA368974984.